The following is an entry in ClinVar:

ClinVar aggregate classification (germline): Likely pathogenic (1 of 4 stars; one submission).

Conditions:
Autosomal recessive congenital ichthyosis 2 (ARCI2). Identifiers: Orphanet 281122, Orphanet 79394, MedGen C3888093, MONDO:0009439, OMIM 242100.

Submission:

3billion
Classification: Likely pathogenic for Autosomal recessive congenital ichthyosis 2. Last evaluated: 2023-08-29. Review status: criteria provided, single submitter. Criteria: ACMG Guidelines, 2015. Collection method: clinical testing. Allele origin: germline. Affected: yes.
Comment: The variant is not observed in the gnomAD v2.1.1 dataset. Predicted Consequence/Location: Stop-gained (nonsense): predicted to result in a loss or disruption of normal protein function through nonsense-mediated decay (NMD) or protein truncation. Multiple pathogenic variants are reported downstream of the variant. Therefore, this variant is classified as Likely pathogenic according to the recommendation of ACMG/AMP guideline.

NM_001139.3(ALOX12B):c.1161T>A (p.Tyr387Ter)

Gene: ALOX12B (arachidonate 12-lipoxygenase, 12R type; minus strand). Cytogenetic location: 17p13.1.
Variant type: single nucleotide variant.
Coding change: c.1161T>A on transcript NM_001139.3 (MANE Select); coding-DNA position 1161, T replaced by A.
Protein change: p.Tyr387Ter; replaces tyrosine 387 with a stop codon.
Molecular consequence: nonsense.
Genome position (GRCh38, 1-based): chr17:8,077,104, A>T on the plus strand (T>A on the coding strand, the complement: ALOX12B is on the minus strand). VCF-style: chr17-8077104-A-T. GRCh37 (hg19) VCF-style: chr17-7980422-A-T.
Other names: short protein forms Y387*.
Identifiers: ClinVar variation 3775716 (VCV003775716.1).
Genomic context (GRCh38, chr17:8,077,104, plus strand): 5'-CTCAGCAATGAGGTGTGTCTCCAGCAGGTGGGCGATGGCCTCGTGGCTGTAGAACTCCGC[A>T]TAGCGTACCCACGTCTTGGCTAGCAGCCAGTCCCACTCAGAATCACTGGGCAGGAAGATG-3'